The following is an entry in ClinVar:

NM_000133.4(F9):c.1298A>G (p.Glu433Gly)

Gene: F9 (coagulation factor IX; plus strand). Cytogenetic location: Xq27.1.
Variant type: single nucleotide variant.
Coding change: c.1298A>G on transcript NM_000133.4 (MANE Select); coding-DNA position 1298, A replaced by G.
Protein change: p.Glu433Gly; replaces glutamic acid 433 with glycine.
Molecular consequence: missense variant.
Genome position (GRCh38, 1-based): chrX:139,561,983, A>G. VCF-style: chrX-139561983-A-G. GRCh37 (hg19) VCF-style: chrX-138644142-A-G.
Other names: c.1184A>G, p.Glu395Gly (NM_001313913.2); short protein forms E395G, E433G.
Identifiers: ClinVar variation 4067837 (VCV004067837.2).

ClinVar aggregate classification (germline): Likely pathogenic (1 of 4 stars; one submission).

Conditions:
Hereditary factor IX deficiency disease (HEMB). Also called: F9 DEFICIENCY; FACTOR IX DEFICIENCY; PLASMA THROMBOPLASTIN COMPONENT DEFICIENCY; Hemophilia B; Christmas Disease. Identifiers: Orphanet 98879, MedGen C0008533, MeSH D002836, MONDO:0010604, OMIM 306900.

Submission:

Natera, Inc.
Classification: Likely pathogenic for Hemophilia B. Last evaluated: 2025-01-07. Review status: criteria provided, single submitter. Criteria: Natera Variant Classification Schema (03/2026). Collection method: clinical testing. Allele origin: germline.
Comment: The c.1298A>G variant in F9 is a missense variant predicted to cause substitution of glutamic acid to glycine at amino acid 433. This variant is rare in the general population with a frequency below the threshold expected for the associated phenotype(s). This variant has been observed in affected individual(s) with monoallelic occurrence (heterozygous/hemizygous) (PMID: 1680287). This variant has been identified in one or more affected individual with a phenotype highly consistent with the associated gene (PMID: 1680287). Functional studies show that this variant may disrupt protein function (PMID: 38985830). Computational prediction algorithms indicate this variant is likely to affect gene or protein function. Given the available evidence, this variant is classified as Likely Pathogenic.

Literature cited by the submitters: PubMed 1680287; PubMed 38985830.